The following is an entry in ClinVar:

NM_000352.6(ABCC8):c.2325del (p.Lys775fs)

Genes: ABCC8 (ATP binding cassette subfamily C member 8; minus strand), LOC110121471 (VISTA enhancer hs1977; plus strand). Cytogenetic location: 11p15.1.
Variant type: Deletion.
Coding change: c.2325del on transcript NM_000352.6 (MANE Select); coding-DNA position 2325, one base deleted (A; older notation c.2325delA).
Protein change: p.Lys775fs; shifts the reading frame from lysine 775.
Molecular consequence: frameshift variant. On other transcripts: non-coding transcript variant (1).
Genome position (GRCh38, 1-based): chr11:17,414,577, T deleted on the plus strand (A on the coding strand, the reverse complement: ABCC8 is on the minus strand); the first of 3 consecutive T bases (chr11:17,414,577-17,414,579); deleting any one gives the same sequence. VCF-style (leftmost placement, unchanged base first): chr11-17414576-GT-G. GRCh37 (hg19) VCF-style: chr11-17436123-GT-G.
Other names: c.2328del, p.Lys776fs (NM_001287174.3); c.2391del, p.Lys797fs (NM_001351295.2); c.2325del, p.Lys775fs (NM_001351296.2); c.2322del, p.Lys774fs (NM_001351297.2); short protein forms K776fs, K774fs, K775fs, K797fs.
Identifiers: ClinVar variation 2029750 (VCV002029750.4), dbSNP rs2496587254, ClinGen allele CA2580082755.

ClinVar aggregate classification (germline): Pathogenic (1 of 4 stars; one submission).

Submission:

Labcorp Genetics (formerly Invitae), Labcorp
Classification: Pathogenic. Last evaluated: 2022-10-04. Review status: criteria provided, single submitter. Criteria: Invitae Variant Classification Sherloc (09022015). Collection method: clinical testing. Allele origin: germline.
Comment: This variant has not been reported in the literature in individuals affected with ABCC8-related conditions. For these reasons, this variant has been classified as Pathogenic. This variant is not present in population databases (gnomAD no frequency). This sequence change creates a premature translational stop signal (p.Lys775Asnfs*5) in the ABCC8 gene. It is expected to result in an absent or disrupted protein product. Loss-of-function variants in ABCC8 are known to be pathogenic (PMID: 20685672, 23345197).

Literature cited by the submitters: PubMed 20685672; PubMed 23345197.